The following is an entry in ClinVar:

NM_052947.4(ALPK2):c.3469T>A (p.Leu1157Met)

Gene: ALPK2 (alpha kinase 2; minus strand). Cytogenetic location: 18q21.31.
Variant type: single nucleotide variant.
Coding change: c.3469T>A on transcript NM_052947.4 (MANE Select); coding-DNA position 3469, T replaced by A.
Protein change: p.Leu1157Met; replaces leucine 1157 with methionine.
Molecular consequence: missense variant.
Genome position (GRCh38, 1-based): chr18:58,536,718, A>T on the plus strand (T>A on the coding strand, the complement: ALPK2 is on the minus strand). VCF-style: chr18-58536718-A-T. GRCh37 (hg19) VCF-style: chr18-56203950-A-T.
Other names: short protein forms L1157M.
Identifiers: ClinVar variation 2497265 (VCV002497265.2), dbSNP rs752319559, ClinGen allele CA402566781.

ClinVar aggregate classification (germline): Uncertain significance (1 of 4 stars; one submission).

Submission:

Ambry Genetics
Classification: Uncertain significance. Last evaluated: 2022-11-27. Review status: criteria provided, single submitter. Criteria: Ambry Variant Classification Scheme 2023. Collection method: clinical testing. Allele origin: germline.
Comment: The p.L1157M variant (also known as c.3469T>A), located in coding exon 4 of the ALPK2 gene, results from a T to A substitution at nucleotide position 3469. The leucine at codon 1157 is replaced by methionine, an amino acid with highly similar properties. This amino acid position is conserved. In addition, this alteration is predicted to be tolerated by in silico analysis. Since supporting evidence is limited at this time, the clinical significance of this alteration remains unclear.